The following is an entry in ClinVar:

ClinVar aggregate classification (germline): Pathogenic/Likely pathogenic. Review status: criteria provided, multiple submitters, no conflicts (2 of 4 stars). 4 submissions from 4 submitters: Pathogenic (3); Likely pathogenic (1). Last evaluated 2025-12-02.

Conditions:
ABCA4-related disorder. Also called: ABCA4-related condition; ABCA4-related disorders. Identifiers: MedGen CN239167.
Stargardt disease (FFM). Also called: Fundus flavimaculatus; Stargardt's disease. Identifiers: Orphanet 827, MedGen C0271093, MONDO:0019353.

Allele frequency attached by ClinVar (database versions not stated): gnomAD exomes below 0.00001; gnomAD 0.00001.
gnomAD v4.1: 5 of 1,614,038 alleles (0.00031%); highest among the groups gnomAD compares: East Asian, 0.0022%; no homozygotes.

Submissions (4):

Labcorp Genetics (formerly Invitae), Labcorp
Classification: Pathogenic. Last evaluated: 2025-12-02. Review status: criteria provided, single submitter. Criteria: Invitae Variant Classification Sherloc (09022015). Collection method: clinical testing. Allele origin: germline.
Comment: This sequence change replaces proline, which is neutral and non-polar, with leucine, which is neutral and non-polar, at codon 1776 of the ABCA4 protein (p.Pro1776Leu). This variant is not present in population databases (gnomAD no frequency). This missense change has been observed in individual(s) with inherited retinal dystrophy and/or Stargardt disease (PMID: 11527935, 17893657). In at least one individual the data is consistent with being in trans (on the opposite chromosome) from a pathogenic variant. It has also been observed to segregate with disease in related individuals. ClinVar contains an entry for this variant (Variation ID: 431947). Invitae Evidence Modeling of protein sequence and biophysical properties (such as structural, functional, and spatial information, amino acid conservation, physicochemical variation, residue mobility, and thermodynamic stability) indicates that this missense variant is expected to disrupt ABCA4 protein function with a positive predictive value of 95%. For these reasons, this variant has been classified as Pathogenic.

Blueprint Genetics
Classification: Pathogenic for ABCA4-related disorders. Last evaluated: 2023-09-12. Review status: criteria provided, single submitter. Criteria: ACMG Guidelines, 2015. Collection method: clinical testing. Allele origin: germline. Affected: yes. Observed: 3 variant alleles.

Ophthalmic Genetics Group, Institute of Molecular and Clinical Ophthalmology Basel
Classification: Pathogenic for Stargardt disease. Last evaluated: 2023-07-24. Review status: criteria provided, single submitter. Criteria: ACMG Guidelines, 2015. Collection method: research. Allele origin: germline. Affected: yes. Observed: 1 variant allele.
Comment: Clinical significance based on ACMG v2.0

This variant was classified as Pathogenic based on ACMG criteria: PM1, PP2, PM2, PP3, PP5.

GeneDx
Classification: Likely pathogenic. Last evaluated: 2016-08-16. Review status: criteria provided, single submitter. Criteria: GeneDx Variant Classification (06012015). Collection method: clinical testing. Allele origin: germline. Affected: yes.
Comment: The P1776L variant has been published previously in association with ABCA4-related disorders (Briggs et al., 2001; Mandal et al., 2005; Yzer et al., 2007). The variant was not observed in approximately 6,500 individuals of European and African American ancestry in the NHLBI Exome Sequencing Project, indicating it is not a common benign variant in these populations. P1776L is a semi-conservative amino acid substitution, which may impact secondary protein structure as these residues differ in some properties. This substitution occurs at a position that is conserved across species, and in silico analysis predicts this variant is probably damaging to the protein structure/function. Therefore, this variant is likely pathogenic.

Literature cited by the submitters: PubMed 11527935 (cited by Labcorp Genetics (formerly Invitae), Labcorp); PubMed 17893657 (cited by Labcorp Genetics (formerly Invitae), Labcorp); PubMed 36909829 (cited by Ophthalmic Genetics Group, Institute of Molecular and Clinical Ophthalmology Basel).

NM_000350.3(ABCA4):c.5327C>T (p.Pro1776Leu)

Gene: ABCA4 (ATP binding cassette subfamily A member 4; minus strand). Cytogenetic location: 1p22.1.
Variant type: single nucleotide variant.
Coding change: c.5327C>T on transcript NM_000350.3 (MANE Select); coding-DNA position 5327, C replaced by T.
Protein change: p.Pro1776Leu; replaces proline 1776 with leucine.
Molecular consequence: missense variant.
Genome position (GRCh38, 1-based): chr1:94,014,676, G>A on the plus strand (C>T on the coding strand, the complement: ABCA4 is on the minus strand). VCF-style: chr1-94014676-G-A. GRCh37 (hg19) VCF-style: chr1-94480232-G-A.
Other names: NP_000341.2:p.(Pro1776Leu); c.5105C>T, p.Pro1702Leu (NM_001425324.1); short protein forms P1776L, P1702L.
Identifiers: ClinVar variation 431947 (VCV000431947.12), dbSNP rs1553187939, ClinGen allele CA341281507.